The following is an entry in ClinVar:

ClinVar aggregate classification (germline): Uncertain significance (1 of 4 stars; one submission).

Conditions:
Pityriasis rubra pilaris (PRP). Also called: Pityriasis rubra pilaris--familial type. Identifiers: Orphanet 2897, MedGen C0032027, MONDO:0100017, OMIM 173200, MONDO:0008251.
Psoriasis 2. Identifiers: MedGen C1864497, MONDO:0011269, OMIM 602723.

Allele frequency attached by ClinVar (database versions not stated): gnomAD exomes below 0.00001; TOPMed 0.00001.
gnomAD v4.1: 2 of 1,519,922 alleles (0.00013%); highest among the groups gnomAD compares: Non-Finnish European, 0.000089%; no homozygotes.

Submission:

Labcorp Genetics (formerly Invitae), Labcorp
Classification: Uncertain significance for Pityriasis rubra pilaris; Psoriasis 2. Last evaluated: 2025-12-01. Review status: criteria provided, single submitter. Criteria: Invitae Variant Classification Sherloc (09022015). Collection method: clinical testing. Allele origin: germline.
Comment: This sequence change affects codon 225 of the CARD14 mRNA. It is a 'silent' change, meaning that it does not change the encoded amino acid sequence of the CARD14 protein. This variant also falls at the last nucleotide of exon 4, which is part of the consensus splice site for this exon. This variant is not present in population databases (gnomAD no frequency). This variant has not been reported in the literature in individuals affected with CARD14-related conditions. ClinVar contains an entry for this variant (Variation ID: 644107). Variants that disrupt the consensus splice site are a relatively common cause of aberrant splicing (PMID: 17576681, 9536098). Algorithms developed to predict the effect of sequence changes on RNA splicing suggest that this variant may disrupt the consensus splice site. In summary, the available evidence is currently insufficient to determine the role of this variant in disease. Therefore, it has been classified as a Variant of Uncertain Significance.

Literature cited by the submitters: PubMed 17576681 (cited by Labcorp Genetics (formerly Invitae), Labcorp); PubMed 9536098 (cited by Labcorp Genetics (formerly Invitae), Labcorp).

NM_001366385.1(CARD14):c.675G>A (p.Glu225=)

Gene: CARD14 (caspase recruitment domain family member 14; plus strand). Cytogenetic location: 17q25.3.
Variant type: single nucleotide variant.
Coding change: c.675G>A on transcript NM_001366385.1 (MANE Select); coding-DNA position 675, G replaced by A.
Protein change: p.Glu225=; no amino-acid change (glutamic acid 225 retained).
Molecular consequence: synonymous variant. On other transcripts: non-coding transcript variant (1).
Genome position (GRCh38, 1-based): chr17:80,184,238, G>A. VCF-style: chr17-80184238-G-A. GRCh37 (hg19) VCF-style: chr17-78158037-G-A.
Other names: c.675G>A, p.Glu225= (NM_001257970.1, NM_024110.4).
Identifiers: ClinVar variation 644107 (VCV000644107.11), dbSNP rs1598640695, ClinGen allele CA502178362.